The following is an entry in ClinVar:

NM_014391.3(ANKRD1):c.449A>T (p.Asp150Val)

Gene: ANKRD1 (ankyrin repeat domain 1; minus strand). Cytogenetic location: 10q23.31.
Variant type: single nucleotide variant.
Coding change: c.449A>T on transcript NM_014391.3 (MANE Select); coding-DNA position 449, A replaced by T.
Protein change: p.Asp150Val; replaces aspartic acid 150 with valine.
Molecular consequence: missense variant.
Genome position (GRCh38, 1-based): chr10:90,918,869, T>A on the plus strand (A>T on the coding strand, the complement: ANKRD1 is on the minus strand). VCF-style: chr10-90918869-T-A. GRCh37 (hg19) VCF-style: chr10-92678626-T-A.
Other names: p.D150V:GAT>GTT; short protein forms D150V.
Identifiers: ClinVar variation 201673 (VCV000201673.26), dbSNP rs150266349, ClinGen allele CA335089.
Genomic context (GRCh38, chr10:90,918,869, plus strand): 5'-CATAAGAAACATAAAATTAATGAGCTGGATTTTGCAGTGCTTTGCATGAGTCTTACCTCA[T>A]CACAAACATCTGGATTGTTCTTGTCTGACAAGAATTTTTCTACTACTGGCAGTTTATTCT-3'
Protein context (NP_055206.2, residues 140-160): LSDKNNPDVC[Asp150Val]EYKRTALHRA

ClinVar aggregate classification (germline): Conflicting classifications of pathogenicity. Review status: criteria provided, conflicting classifications (1 of 4 stars). 7 submissions from 7 submitters: Uncertain significance (2); Likely benign (2). 3 of the submissions do not count toward it. Last evaluated 2026-01-12.

Conditions:
Cardiovascular phenotype. Identifiers: MedGen CN230736.
ANKRD1-related dilated cardiomyopathy. Identifiers: MedGen CN119551.

Allele frequency attached by ClinVar (database versions not stated): gnomAD 0.00019; ESP Exome Variant Server 0.00031; TOPMed 0.00034.
gnomAD v4.1: 85 of 1,608,594 alleles (0.0053%); highest among the groups gnomAD compares: African/African-American, 0.1%; no homozygotes.

Submissions (7):

Labcorp Genetics (formerly Invitae), Labcorp
Classification: Likely benign for ANKRD1-related dilated cardiomyopathy. Last evaluated: 2026-01-12. Review status: criteria provided, single submitter. Criteria: Invitae Variant Classification Sherloc (09022015). Collection method: clinical testing. Allele origin: germline.

GeneDx
Classification: Uncertain significance. Last evaluated: 2025-09-30. Review status: criteria provided, single submitter. Criteria: GeneDx Variant Classification Process June 2021. Collection method: clinical testing. Allele origin: germline. Affected: yes.
Comment: Identified in a patient with DCM and a patient with elevated HDL-C in published literature (PMID: 35460704, 31983221); In silico analysis supports that this missense variant has a deleterious effect on protein structure/function; Variants in candidate genes are classified as variants of uncertain significance in accordance with ACMG guidelines (PMID: 25741868); This variant is associated with the following publications: (PMID: 31983221, 35460704)

Ambry Genetics
Classification: Likely benign for Cardiovascular phenotype. Last evaluated: 2021-08-31. Review status: criteria provided, single submitter. Criteria: Ambry Variant Classification Scheme 2023. Collection method: clinical testing. Allele origin: germline.

Laboratory for Molecular Medicine, Mass General Brigham Personalized Medicine
Classification: Uncertain significance. Last evaluated: 2017-04-20. Review status: criteria provided, single submitter. Criteria: LMM Criteria. Collection method: clinical testing. Allele origin: germline. Observed: 1 variant allele.
Comment: The p.Asp150Val variant in ANKRD1 has not been previously reported in individual s with cardiomyopathy, but has been identified in 0.1% (23/23930) of African chr omosomes by the Genome Aggregation Database (gnomAD, e.org/; dbSNP rs150266349). This variant has been reported in ClinVar (Variation ID 201673) as of uncertain significance. Computational prediction tools and con servation analysis suggest that the p.Asp150Val variant may impact the protein, though this information is not predictive enough to determine pathogenicity. In summary, the clinical significance of the p.Asp150Val variant is uncertain.

Clinical Genetics DNA and cytogenetics Diagnostics Lab, Erasmus MC, Erasmus Medical Center
Classification: Uncertain significance. Review status: no assertion criteria provided. Collection method: clinical testing. Allele origin: germline. Affected: yes. Study: VKGL Data-share Consensus. Not counted in ClinVar's aggregate classification.

Clinical Genetics, Academic Medical Center
Classification: Uncertain significance. Review status: no assertion criteria provided. Collection method: clinical testing. Allele origin: germline. Affected: yes. Study: VKGL Data-share Consensus. Not counted in ClinVar's aggregate classification.

Joint Genome Diagnostic Labs from Nijmegen and Maastricht, Radboudumc and MUMC+
Classification: Uncertain significance. Review status: no assertion criteria provided. Collection method: clinical testing. Allele origin: germline. Affected: yes. Study: VKGL Data-share Consensus. Not counted in ClinVar's aggregate classification.

Literature cited by the submitters: PubMed 31983221 (cited by Ambry Genetics).